The following is an entry in ClinVar:

ClinVar aggregate classification (germline): Uncertain significance (1 of 4 stars; one submission).

Submission:

Mayo Clinic Laboratories, Mayo Clinic
Classification: Uncertain significance. Last evaluated: 2024-03-06. Review status: criteria provided, single submitter. Criteria: ACMG Guidelines, 2015. Collection method: clinical testing. Allele origin: germline. Observed: 1 variant allele.
Comment: PM2_moderate

Literature cited by the submitters: PubMed 38055078.

NM_001346754.2(PIGW):c.111del (p.Phe38fs)

Genes: MYO19 (myosin XIX; minus strand), PIGW (phosphatidylinositol glycan anchor biosynthesis class W; plus strand). Cytogenetic location: 17q12.
Variant type: Deletion.
Coding change: c.111del on transcript NM_001346754.2 (MANE Select); coding-DNA position 111, one base deleted (G; older notation c.111delG).
Protein change: p.Phe38fs; shifts the reading frame from phenylalanine 38.
Molecular consequence: frameshift variant.
Genome position (GRCh38, 1-based): chr17:36,537,212, G deleted; the last of 3 consecutive G bases (chr17:36,537,210-36,537,212); deleting any one gives the same sequence. VCF-style (leftmost placement, unchanged base first): chr17-36537209-AG-A. GRCh37 (hg19) VCF-style: chr17-34893058-AG-A.
Other names: p.Phe38Serfs*2; c.111del, p.Phe38fs (NM_001346755.2, NM_178517.5); short protein forms F38fs.
Identifiers: ClinVar variation 3380483 (VCV003380483.1).